The following is an entry in ClinVar:

ClinVar aggregate classification (germline): Pathogenic/Likely pathogenic. Review status: criteria provided, multiple submitters, no conflicts (2 of 4 stars). 2 submissions from 2 submitters: Pathogenic (1); Likely pathogenic (1). Last evaluated 2025-11-16.

Conditions:
Familial hypobetalipoproteinemia 1. Also called: Acanthocytosis with hypobetalipoproteinemia; APOB-Related Familial Hypobetalipoproteinemia; Hypobetalipoproteinemia, normotriglyceridemic. Identifiers: MedGen C4551990, MONDO:0014252, OMIM 615558.
Hypercholesterolemia, autosomal dominant, type B (FHCL2). Also called: APOLIPOPROTEIN B-100, FAMILIAL DEFECTIVE; APOLIPOPROTEIN B-100, FAMILIAL LIGAND-DEFECTIVE; Familial hypercholesterolemia 2; APOB-Related Familial Hypercholesterolemia, Autosomal Dominant; HYPERCHOLESTEROLEMIA, FAMILIAL, DUE TO LIGAND-DEFECTIVE APOLIPOPROTEIN B; Familial Hypercholesterolemia Type B. Identifiers: MedGen C1704417, MONDO:0007751, OMIM 144010.

Submissions (2):

Labcorp Genetics (formerly Invitae), Labcorp
Classification: Likely pathogenic for Familial hypobetalipoproteinemia 1; Hypercholesterolemia, autosomal dominant, type B. Last evaluated: 2025-11-16. Review status: criteria provided, single submitter. Criteria: Invitae Variant Classification Sherloc (09022015). Collection method: clinical testing. Allele origin: germline.
Comment: This variant results in the deletion of part of exon 3 (c.226_237+1del) of the APOB gene. It is expected to disrupt RNA splicing. Variants that disrupt the donor or acceptor splice site typically lead to a loss of protein function (PMID: 16199547), and loss-of-function variants in APOB are known to be pathogenic (PMID: 20032471). This variant is not present in population databases (gnomAD no frequency). This variant has not been reported in the literature in individuals affected with APOB-related conditions. ClinVar contains an entry for this variant (Variation ID: 1174484). In summary, the currently available evidence indicates that the variant is pathogenic, but additional data are needed to prove that conclusively. Therefore, this variant has been classified as Likely Pathogenic.

Tan Tock Seng Hospital, National Healthcare Group
Classification: Pathogenic for Familial hypobetalipoproteinemia 1. Last evaluated: 2021-06-18. Review status: criteria provided, single submitter. Criteria: ACMG Guidelines, 2015. Collection method: clinical testing. Allele origin: unknown. Inheritance: Codominant. Affected: yes. Observed: 1 variant allele, 1 homozygote.
Comment: The APOB c.226_237+1del variant is expected to disrupt RNA splicing and lead to a loss of protein function, and loss-of-function variants in APOB is a known mechanism of disease. This alteration is not present in gnomAD and there is no data on its occurrence in local population database (SG10K).

Literature cited by the submitters: PubMed 16199547 (cited by Labcorp Genetics (formerly Invitae), Labcorp); PubMed 20032471 (cited by Labcorp Genetics (formerly Invitae), Labcorp).

NM_000384.3(APOB):c.226_237+1del

Genes: APOB (apolipoprotein B; minus strand), LOC106560211 (APOB 5' regulatory region; plus strand). Cytogenetic location: 2p24.1.
Variant type: Deletion.
Coding change: c.226_237+1del on transcript NM_000384.3 (MANE Select); coding-DNA position 226 through the canonical splice donor site of the intron after coding-DNA position 237, 13 bases deleted (ATCAACTGCAAGG).
Molecular consequence: splice donor variant.
Genome position (GRCh38, 1-based): chr2:21,042,360-21,042,372, CCTTGCAGTTGAT deleted on the plus strand (ATCAACTGCAAGG on the coding strand, the reverse complement: APOB is on the minus strand); deleting any 13 consecutive bases within chr2:21,042,360-21,042,375 gives the same sequence; the c. name uses the placement nearest the transcript's 3' end. VCF-style (leftmost placement, unchanged base first): chr2-21042359-ACCTTGCAGTTGAT-A. GRCh37 (hg19) VCF-style: chr2-21265231-ACCTTGCAGTTGAT-A.
Identifiers: ClinVar variation 1174484 (VCV001174484.9), dbSNP rs2103388847, ClinGen allele CA2499215585.
Genomic context (GRCh38, chr2:21,042,359, plus strand): 5'-GCTGGAACAGGGCTGGGGGAAAGCTGTGGGCTCTAGGTCCCTCCTGCCTGCATCCTCCAT[ACCTTGCAGTTGAT>A]CCTGGTGGCACTTCTTGAATCAGCAGTCCCAGGGACTCCACTGGAACTCTCAGCCTCATA-3'